The following is an entry in ClinVar:

ClinVar aggregate classification (germline): Uncertain significance (1 of 4 stars; one submission).

Submission:

Labcorp Genetics (formerly Invitae), Labcorp
Classification: Uncertain significance. Last evaluated: 2023-11-19. Review status: criteria provided, single submitter. Criteria: Invitae Variant Classification Sherloc (09022015). Collection method: clinical testing. Allele origin: unknown.
Comment: A copy number gain of the genomic region encompassing the full coding sequence of the CSGALNACT1 gene has been identified. The boundaries of this event are unknown as they extend beyond the assayed region for this gene and therefore may encompass additional genes. As the precise location of this event is unknown, it may be in tandem or it may be located elsewhere in the genome. This variant has not been reported in the literature in individuals affected with CSGALNACT1-related conditions. In summary, the available evidence is currently insufficient to determine the role of this variant in disease. Therefore, it has been classified as a Variant of Uncertain Significance.

NC_000008.10:g.(?_19263291)_(19363345_?)dup

Gene: CSGALNACT1 (chondroitin sulfate N-acetylgalactosaminyltransferase 1; minus strand). Cytogenetic location: 8p21.3.
Variant type: Duplication.
Identifiers: ClinVar variation 3245558 (VCV003245558.1).